The following is an entry in ClinVar:

ClinVar aggregate classification (germline): Pathogenic (1 of 4 stars; one submission).

Conditions:
Neuronal ceroid lipofuscinosis 11. Also called: GRN-Related Neuronal Ceroid-Lipofuscinosis. Identifiers: Orphanet 314629, Orphanet 79262, MedGen C3539123, MONDO:0013866, OMIM 614706.
GRN-related frontotemporal lobar degeneration with Tdp43 inclusions (FTD2). Also called: DEMENTIA, HEREDITARY DYSPHASIC DISINHIBITION; FRONTOTEMPORAL LOBAR DEGENERATION WITH UBIQUITIN-POSITIVE INCLUSIONS; FTLD-TDP, GRN-RELATED; GRN Frontotemporal Dementia; FRONTOTEMPORAL DEMENTIA WITH TDP43 INCLUSIONS, GRN-RELATED. Identifiers: Orphanet 100070, Orphanet 282, MedGen C1843792, MONDO:0011842, OMIM 607485. Disease mechanism: loss of function.

Submission:

Labcorp Genetics (formerly Invitae), Labcorp
Classification: Pathogenic for Neuronal ceroid lipofuscinosis 11; GRN-related frontotemporal lobar degeneration with Tdp43 inclusions. Last evaluated: 2022-03-29. Review status: criteria provided, single submitter. Criteria: Invitae Variant Classification Sherloc (09022015). Collection method: clinical testing. Allele origin: germline.
Comment: This sequence change creates a premature translational stop signal (p.Ser262Argfs*20) in the GRN gene. It is expected to result in an absent or disrupted protein product. Loss-of-function variants in GRN are known to be pathogenic (PMID: 16862116, 16950801, 22608501). This variant is not present in population databases (gnomAD no frequency). This variant has not been reported in the literature in individuals affected with GRN-related conditions. Algorithms developed to predict the effect of sequence changes on RNA splicing suggest that this variant may create or strengthen a splice site. For these reasons, this variant has been classified as Pathogenic.

Literature cited by the submitters: PubMed 16862116; PubMed 16950801; PubMed 22608501.

NM_002087.4(GRN):c.784_787del (p.Ser262fs)

Gene: GRN (granulin precursor; plus strand). Cytogenetic location: 17q21.31.
Variant type: Deletion.
Coding change: c.784_787del on transcript NM_002087.4 (MANE Select); coding-DNA positions 784 to 787, 4 bases deleted (TCCA; older notation c.784_787delTCCA).
Protein change: p.Ser262fs; shifts the reading frame from serine 262.
Molecular consequence: frameshift variant.
Genome position (GRCh38, 1-based): chr17:44,351,112-44,351,115, TCCA deleted. VCF-style (leftmost placement, unchanged base first): chr17-44351111-CTCCA-C. GRCh37 (hg19) VCF-style: chr17-42428479-CTCCA-C.
Other names: short protein forms S262fs.
Identifiers: ClinVar variation 2119142 (VCV002119142.4), dbSNP rs2510056456, ClinGen allele CA2580094068.